The following is an entry in ClinVar:

GRCh37/hg19 4p16.3-15.2(chr4:68346-23792768)x1

Genes: ABLIM2 (actin binding LIM protein family member 2; minus strand), ACOX3 (acyl-CoA oxidase 3, pristanoyl; minus strand), ADD1 (adducin 1; plus strand), ADGRA3 (adhesion G protein-coupled receptor A3; minus strand), ADRA2C (adrenoceptor alpha 2C; plus strand) and 142 more. Cytogenetic location: 4p16.3-15.2.
Variant type: copy number loss.
Change: copy number 1 (one copy instead of two) of chr4:68,346-23,792,768 (23.72 Mb, GRCh37 coordinates, 1-based), cytogenetic band 4p16.3-15.2.
Identifiers: ClinVar variation 4682605 (VCV004682605.1).

ClinVar aggregate classification (germline): Pathogenic (1 of 4 stars; one submission).

Submission:

Quest Diagnostics Nichols Institute San Juan Capistrano
Classification: Pathogenic. Last evaluated: 2024-07-10. Review status: criteria provided, single submitter. Criteria: ACMG/ClinGen CNV Guidelines, 2019. Collection method: clinical testing. Allele origin: unknown.
Comment: This copy number loss represents the Wolf-Hirschhorn syndromic region (OMIM 194190; ClinGen ISCA-37429; Gavril 2021, Paradowska-Stolarz 2014) and involves at least 150 protein-coding genes, including critical genes NSD2 (OMIM 602952) and LETM1 (OMIM 604407). Furthermore, haploinsufficiency of MSX1 is associated with selective tooth agenesis-1 (STHAG1; OMIM 106600). Thus, this copy number variant (CNV) is classified as pathogenic. References: Gavril et al., Children (Basel). 2021 Aug 30;8(9):751. PMID: 34572183 Paradowska-Stolarz, Adv Clin Exp Med. 2014 May-Jun;23(3):485-9. PMID: 24979523 Rehm et al., N Engl J Med. 2015 Jun 4;372(23):2235-42. PMID: 26014595